The following is an entry in ClinVar:

ClinVar aggregate classification (germline): Pathogenic. Review status: reviewed by expert panel (3 of 4 stars). 4 submissions from 4 submitters: Pathogenic (1). 3 of the submissions do not count toward it. Last evaluated 2017-12-15.

Conditions:
Hereditary cancer-predisposing syndrome. Also called: Tumor predisposition; Neoplastic Syndromes, Hereditary; Hereditary Cancer Syndrome; Hereditary neoplastic syndrome. Identifiers: Orphanet 140162, MedGen C0027672, MeSH D009386, MONDO:0015356.
Breast-ovarian cancer, familial, susceptibility to, 1 (BROVCA1). Also called: OVARIAN CANCER, SUSCEPTIBILITY TO; BRCA1 Hereditary Breast and Ovarian Cancer. Identifiers: Orphanet 145, MedGen C2676676, MONDO:0011450, OMIM 604370. Disease mechanism: loss of function.
Familial cancer of breast. Also called: Hereditary breast cancer; hereditary breast carcinoma; BREAST CANCER, FAMILIAL. Identifiers: Orphanet 227535, MedGen C0346153, MONDO:0016419, OMIM 114480. Disease mechanism: loss of function.

Allele frequency attached by ClinVar (database versions not stated): TOPMed below 0.00001.

Submissions (4):

Evidence-based Network for the Interpretation of Germline Mutant Alleles (ENIGMA)
Classification: Pathogenic for Breast-ovarian cancer, familial, susceptibility to, 1. Last evaluated: 2017-12-15. Review status: reviewed by expert panel. Criteria: ENIGMA BRCA1/2 Classification Criteria (2017-06-29). Collection method: curation. Allele origin: germline. Study: ENIGMA.
Comment: Variant allele predicted to encode a truncated non-functional protein.

Ambry Genetics
Classification: Pathogenic for Hereditary cancer-predisposing syndrome. Last evaluated: 2025-01-21. Review status: criteria provided, single submitter. Criteria: Ambry Variant Classification Scheme 2023. Collection method: clinical testing. Allele origin: germline. Not counted in ClinVar's aggregate classification.
Comment: The c.3359_3363delTTAAT pathogenic mutation, located in coding exon 9 of the BRCA1 gene, results from a deletion of 5 nucleotides at nucleotide positions 3359 to 3363, causing a translational frameshift with a predicted alternate stop codon (p.V1120Dfs*11). This alteration has been reported in individuals with hereditary breast and ovarian cancer (Li N et al. Int J Gynecol Cancer, 2006;16 Suppl 1:172-8; Yao L et al. J Hum Genet, 2022 Nov;67:639-642; Deng M et al. Int J Cancer, 2019 Sep;145:1517-1528; Hata C et al. J Hum Genet, 2020 Jul;65:577-587). This alteration was identified in 1 of 282 Chinese gastric cancer patients (Ji K et al. Chin J Cancer Res, 2020 Aug;32:508-515). This variant is considered to be rare based on population cohorts in the Genome Aggregation Database (gnomAD). In addition to the clinical data presented in the literature, this alteration is expected to result in loss of function by premature protein truncation or nonsense-mediated mRNA decay. As such, this alteration is interpreted as a disease-causing mutation.

Color Diagnostics, LLC DBA Color Health
Classification: Pathogenic for Hereditary cancer-predisposing syndrome. Last evaluated: 2020-01-15. Review status: criteria provided, single submitter. Criteria: ACMG Guidelines, 2015. Collection method: clinical testing. Allele origin: germline. Not counted in ClinVar's aggregate classification.
Comment: This variant deletes 5 nucleotides in exon 10 of the BRCA1 gene, creating a frameshift and premature translation stop signal. This variant is expected to result in an absent or non-functional protein product. This variant has not been identified in the general population by the Genome Aggregation Database (gnomAD). Loss of BRCA1 function is a known mechanism of disease. Based on the available evidence, this variant is classified as Pathogenic.

ClinVar Staff, National Center for Biotechnology Information (NCBI)
No classification provided. Condition: Familial cancer of breast. Review status: no classification provided. Collection method: literature only. Allele origin: germline. Affected: yes. Not counted in ClinVar's aggregate classification.

Literature cited by the submitters: PubMed 16515586 (cited by Ambry Genetics and ClinVar Staff, National Center for Biotechnology Information (NCBI)); PubMed 30720863 (cited by Ambry Genetics); PubMed 32029870 (cited by Ambry Genetics); PubMed 32963463 (cited by Ambry Genetics); PubMed 35864222 (cited by Ambry Genetics).

NM_007294.4(BRCA1):c.3359_3363del (p.Val1120fs)

Genes: BRCA1 (BRCA1 DNA repair associated; minus strand), LOC126862571 (BRD4-independent group 4 enhancer GRCh37_chr17:41243136-41244335; plus strand). Cytogenetic location: 17q21.31.
Variant type: Deletion.
Coding change: c.3359_3363del on transcript NM_007294.4 (MANE Select); coding-DNA positions 3359 to 3363, 5 bases deleted (TTAAT; older notation c.3359_3363delTTAAT).
Protein change: p.Val1120fs; shifts the reading frame from valine 1120.
Molecular consequence: frameshift variant. On other transcripts: intron variant (137).
Genome position (GRCh38, 1-based): chr17:43,092,168-43,092,172, ATTAA deleted on the plus strand (TTAAT on the coding strand, the reverse complement: BRCA1 is on the minus strand). VCF-style (leftmost placement, unchanged base first): chr17-43092167-TATTAA-T. GRCh37 (hg19) VCF-style: chr17-41244184-TATTAA-T.
Other names: c.3146_3150del, p.Val1049fs (NM_001407571.1, NM_001407853.1, NM_001407894.1 and 9 more transcripts); c.3359_3363del, p.Val1120fs (NM_001407581.1, NM_001407582.1, NM_001407583.1 and 30 more transcripts); c.3356_3360del, p.Val1119fs (NM_001407587.1, NM_001407590.1, NM_001407591.1 and 22 more transcripts); c.3350_3354del, p.Val1117fs (NM_001407646.1, NM_001407647.1); c.3236_3240del, p.Val1079fs (NM_001407648.1, NM_001407664.1, NM_001407665.1 and 19 more transcripts); c.3233_3237del, p.Val1078fs (NM_001407649.1, NM_001407670.1, NM_001407671.1 and 11 more transcripts); c.3281_3285del, p.Val1094fs (NM_001407653.1, NM_001407654.1, NM_001407655.1 and 4 more transcripts); c.3278_3282del, p.Val1093fs (NM_001407659.1, NM_001407660.1, NM_001407661.1 and 1 more transcripts); and 42 more; short protein forms V1073fs, V1120fs, V1008fs, V1032fs, V1078fs, V824fs, V993fs, V1050fs.
Identifiers: ClinVar variation 54857 (VCV000054857.7), dbSNP rs397509060, ClinGen allele CA002181.